The following is an entry in ClinVar:

ClinVar aggregate classification (germline): Likely benign. Review status: criteria provided, single submitter (1 of 4 stars). 2 submissions from 2 submitters: Likely benign (1). 1 of the submissions does not count toward it. Last evaluated 2025-05-25.

Conditions:
PKD1L1-related disorder. Also called: PKD1L1-related condition.

Allele frequency attached by ClinVar (database versions not stated): TOPMed 0.00038; ExAC 0.00012; ESP Exome Variant Server 0.00054.
gnomAD v4.1: 90 of 1,613,246 alleles (0.0056%); highest among the groups gnomAD compares: African/African-American, 0.1%; no homozygotes.

Submissions (2):

Labcorp Genetics (formerly Invitae), Labcorp
Classification: Likely benign. Last evaluated: 2025-05-25. Review status: criteria provided, single submitter. Criteria: Invitae Variant Classification Sherloc (09022015). Collection method: clinical testing. Allele origin: germline.

PreventionGenetics, part of Exact Sciences
Classification: Likely benign for PKD1L1-related condition. Last evaluated: 2024-08-07. Review status: no assertion criteria provided. Collection method: clinical testing. Allele origin: germline. Not counted in ClinVar's aggregate classification.
Comment: This variant is classified as likely benign based on ACMG/AMP sequence variant interpretation guidelines (Richards et al. 2015 PMID: 25741868, with internal and published modifications).

NM_138295.5(PKD1L1):c.1497C>T (p.Ser499=)

Gene: PKD1L1 (polycystin 1 like 1, transient receptor potential channel interacting; minus strand). Cytogenetic location: 7p12.3.
Variant type: single nucleotide variant.
Coding change: c.1497C>T on transcript NM_138295.5 (MANE Select); coding-DNA position 1497, C replaced by T.
Protein change: p.Ser499=; no amino-acid change (serine 499 retained).
Molecular consequence: synonymous variant.
Genome position (GRCh38, 1-based): chr7:47,905,868, G>A on the plus strand (C>T on the coding strand, the complement: PKD1L1 is on the minus strand). VCF-style: chr7-47905868-G-A. GRCh37 (hg19) VCF-style: chr7-47945465-G-A.
Other names: c.1497C>T (NM_138295.3).
Identifiers: ClinVar variation 2768392 (VCV002768392.4), dbSNP rs145857921, ClinGen allele CA4254038.